The following is an entry in ClinVar:

ClinVar aggregate classification (germline): Conflicting classifications of pathogenicity. Review status: criteria provided, conflicting classifications (1 of 4 stars). 11 submissions from 11 submitters: Uncertain significance (2); Benign (1); Likely benign (8). Last evaluated 2026-06-01.

Conditions:
Lynch syndrome 4 (LYNCH4). Also called: Hereditary non-polyposis colorectal cancer, type 4; Colorectal cancer, hereditary nonpolyposis, type 4. Identifiers: Orphanet 144, MedGen C1838333, MONDO:0013699, OMIM 614337. Disease mechanism: loss of function.
Mismatch repair cancer syndrome 4. Identifiers: MedGen C5436817, MONDO:0030843, OMIM 619101.
Hereditary nonpolyposis colorectal neoplasms. Identifiers: MedGen C0009405, MeSH D003123.
Hereditary cancer-predisposing syndrome. Also called: Tumor predisposition; Neoplastic Syndromes, Hereditary; Hereditary Cancer Syndrome; Hereditary neoplastic syndrome. Identifiers: Orphanet 140162, MedGen C0027672, MeSH D009386, MONDO:0015356.
Lynch syndrome. Identifiers: Orphanet 144, MedGen C4552100, MONDO:0005835. Disease mechanism: loss of function.

Allele frequency attached by ClinVar (database versions not stated): gnomAD exomes below 0.00001 and 0.00002; ExAC 0.00001; gnomAD 0.00001 and 0.00002; TOPMed 0.00001.
gnomAD v4.1: 26 of 1,614,168 alleles (0.0016%); highest among the groups gnomAD compares: Middle Eastern, 0.049%; no homozygotes.

Submissions (11):

CeGaT Center for Human Genetics Tuebingen
Classification: Likely benign. Last evaluated: 2026-06-01. Review status: criteria provided, single submitter. Criteria: CeGaT Center For Human Genetics Tuebingen Variant Classification Criteria Version 2. Collection method: clinical testing. Allele origin: germline. Affected: yes. Observed: 2 variant alleles.
Comment: PMS2: BP4, BP7

Labcorp Genetics (formerly Invitae), Labcorp
Classification: Likely benign for Hereditary nonpolyposis colorectal neoplasms. Last evaluated: 2025-11-23. Review status: criteria provided, single submitter. Criteria: Invitae Variant Classification Sherloc (09022015). Collection method: clinical testing. Allele origin: germline.

Myriad Genetics, Inc.
Classification: Benign for Lynch syndrome 4. Last evaluated: 2025-01-30. Review status: criteria provided, single submitter. Criteria: Myriad Autosomal Dominant, Autosomal Recessive and X-Linked Classification Criteria (2023). Collection method: clinical testing. Allele origin: unknown.
Comment: This variant is considered benign. This variant is a silent/synonymous amino acid change and it is not expected to impact splicing.

All of Us Research Program, National Institutes of Health
Classification: Likely benign for Lynch syndrome. Last evaluated: 2024-05-14. Review status: criteria provided, single submitter. Criteria: ACMG Guidelines, 2015. Collection method: clinical testing. Allele origin: germline. Inheritance: Autosomal dominant inheritance. Observed: 4 variant alleles, 4 heterozygotes.
Comment: This study involves interpretation of variants in research participants for the purpose of population health screening. Participant phenotype was not available at the time of variant classification. Additional details can be found in publication PMID: 35346344, PMCID: PMC8962531

Quest Diagnostics Nichols Institute San Juan Capistrano
Classification: Uncertain significance. Last evaluated: 2023-06-21. Review status: criteria provided, single submitter. Criteria: Quest Diagnostics criteria. Collection method: clinical testing. Allele origin: unknown.
Comment: To the best of our knowledge, this variant has not been reported in the published literature. The frequency of this variant in the general population, 0.000004 (1/251476 chromosomes (Genome Aggregation Database)), is uninformative in the assessment of its pathogenicity. Analysis of this variant using software algorithms for the prediction of the effect of nucleotide changes on PMS2 mRNA splicing yielded predictions that this variant may result in the gain of a cryptic splice site without affecting the natural splice sites . Based on the available information, we are unable to determine the clinical significance of this variant.

Department of Pathology and Laboratory Medicine, Sinai Health System
Classification: Uncertain significance for Lynch syndrome 4; Mismatch repair cancer syndrome 4. Last evaluated: 2020-12-18. Review status: criteria provided, single submitter. Criteria: ACMG Guidelines, 2015. Collection method: clinical testing. Allele origin: germline.

Sema4
Classification: Likely benign for Hereditary cancer-predisposing syndrome. Last evaluated: 2020-11-19. Review status: criteria provided, single submitter. Criteria: Sema4 Curation Guidelines. Collection method: curation. Allele origin: germline.

Women's Health and Genetics/Laboratory Corporation of America, LabCorp
Classification: Likely benign. Last evaluated: 2019-08-29. Review status: criteria provided, single submitter. Criteria: LabCorp Variant Classification Summary - May 2015. Collection method: clinical testing. Allele origin: germline.

GeneDx
Classification: Likely benign. Last evaluated: 2018-05-09. Review status: criteria provided, single submitter. Criteria: GeneDx Variant Classification Process June 2021. Collection method: clinical testing. Allele origin: germline. Affected: yes.
Comment: This variant is associated with the following publications: (PMID: 20186688)

Color Diagnostics, LLC DBA Color Health
Classification: Likely benign for Hereditary cancer-predisposing syndrome. Last evaluated: 2017-11-07. Review status: criteria provided, single submitter. Criteria: ACMG Guidelines, 2015. Collection method: clinical testing. Allele origin: germline.

Ambry Genetics
Classification: Likely benign for Hereditary cancer-predisposing syndrome. Last evaluated: 2014-12-09. Review status: criteria provided, single submitter. Criteria: Ambry Variant Classification Scheme 2023. Collection method: clinical testing. Allele origin: germline.

NM_000535.7(PMS2):c.1344A>T (p.Gly448=)

Gene: PMS2 (PMS1 homolog 2, mismatch repair system component; minus strand). Cytogenetic location: 7p22.1.
Variant type: single nucleotide variant.
Coding change: c.1344A>T on transcript NM_000535.7 (MANE Select); coding-DNA position 1344, A replaced by T.
Protein change: p.Gly448=; no amino-acid change (glycine 448 retained).
Molecular consequence: synonymous variant. On other transcripts: non-coding transcript variant (1).
Genome position (GRCh38, 1-based): chr7:5,987,421, T>A on the plus strand (A>T on the coding strand, the complement: PMS2 is on the minus strand). VCF-style: chr7-5987421-T-A. GRCh37 (hg19) VCF-style: chr7-6027052-T-A.
Other names: c.939A>T, p.Gly313= (NM_001322003.2, NM_001322004.2, NM_001322005.2 and 1 more transcripts); c.1188A>T, p.Gly396= (NM_001322006.2); c.1026A>T, p.Gly342= (NM_001322007.2, NM_001322008.2); c.783A>T, p.Gly261= (NM_001322010.2); c.411A>T, p.Gly137= (NM_001322011.2, NM_001322012.2); c.771A>T, p.Gly257= (NM_001322013.2); c.1344A>T, p.Gly448= (NM_001322014.2); c.1035A>T, p.Gly345= (NM_001322015.2).
Identifiers: ClinVar variation 185217 (VCV000185217.63), dbSNP rs759192470, ClinGen allele CA009531.
Genomic context (GRCh38, chr7:5,987,421, plus strand): 5'-CAGGACGCCTTTGTCAGAGATGGCACCTGAAGTGCTAGAAGACAGCATACCCCTTTTCTG[T>A]CCTAGAGGGCTCCTTCTTGGTTCTGGAGTCTTTGGGCTGTGAGGCTTGTTCTCTGTTGTG-3'
Protein context (NP_000526.2, residues 438-458): KTPEPRRSPL[Gly448=]QKRGMLSSST